The following is an entry in ClinVar:

NM_000169.3(GLA):c.1134T>A (p.Cys378Ter)

Genes: GLA (galactosidase alpha; minus strand), RPL36A-HNRNPH2 (RPL36A-HNRNPH2 readthrough; plus strand). Cytogenetic location: Xq22.1.
Variant type: single nucleotide variant.
Coding change: c.1134T>A on transcript NM_000169.3 (MANE Select); coding-DNA position 1134, T replaced by A.
Protein change: p.Cys378Ter; replaces cysteine 378 with a stop codon.
Molecular consequence: nonsense. On other transcripts: non-coding transcript variant (3), intron variant (2).
Genome position (GRCh38, 1-based): chrX:101,397,965, A>T on the plus strand (T>A on the coding strand, the complement: GLA is on the minus strand). VCF-style: chrX-101397965-A-T. GRCh37 (hg19) VCF-style: chrX-100652953-A-T.
Other names: c.1257T>A, p.Cys419Ter (NM_001406747.1); c.300+2508A>T (NM_001199973.2); c.177+6143A>T (NM_001199974.2); short protein forms C378*, C419*.
Identifiers: ClinVar variation 4087197 (VCV004087197.2).

ClinVar aggregate classification (germline): Pathogenic (1 of 4 stars; one submission).

Conditions:
Fabry disease. Also called: ALPHA-GALACTOSIDASE A DEFICIENCY; ANDERSON-FABRY DISEASE; CERAMIDE TRIHEXOSIDASE DEFICIENCY; GLA DEFICIENCY; HEREDITARY DYSTOPIC LIPIDOSIS; Angiokeratoma corporis diffusum. Identifiers: Orphanet 324, MedGen C0002986, MONDO:0010526, OMIM 301500, HP:0001071. Disease mechanism: Fabry disease is due to inactivating mutations in the X-linked GLA gene resulting in deficiency of the enzyme Alpha Galactosidase-A., loss of function.

Submission:

Genomenon, Inc
Classification: Pathogenic for Fabry disease. Last evaluated: 2026-09-08. Review status: criteria provided, single submitter. Criteria: Genomenon Sequence Variant Interpretation Standards - Updated. Collection method: curation. Allele origin: germline. Affected: yes.
Comment: GLA p.Cys378Ter (c.1134T>A) is a nonsense variant that introduces a premature stop codon at amino acid position 378 and is predicted to result in a truncated or absent protein product. This variant has been observed in at least one proband with clinical features consistent with Fabry disease (PMID:38002959). Functional or patient cell studies have been reported (PMID:31770509). It is absent or not present at a significant frequency in gnomAD. In conclusion, we classify GLA p.Cys378Ter (c.1134T>A) as a pathogenic variant.

Literature cited by the submitters: PubMed 38002959; PubMed 31770509.